The following is an entry in ClinVar:

ClinVar aggregate classification (germline): Uncertain significance (1 of 4 stars; one submission).

gnomAD v4.1: 2 of 1,614,164 alleles (0.00012%); highest among the groups gnomAD compares: Non-Finnish European, 0.00017%; no homozygotes.

Submission:

Labcorp Genetics (formerly Invitae), Labcorp
Classification: Uncertain significance. Last evaluated: 2024-12-12. Review status: criteria provided, single submitter. Criteria: Invitae Variant Classification Sherloc (09022015). Collection method: clinical testing. Allele origin: germline.
Comment: This sequence change falls in intron 65 of the USH2A gene. It does not directly change the encoded amino acid sequence of the USH2A protein. It affects a nucleotide within the consensus splice site. This variant is not present in population databases (gnomAD no frequency). This variant has not been reported in the literature in individuals affected with USH2A-related conditions. Variants that disrupt the consensus splice site are a relatively common cause of aberrant splicing (PMID: 17576681, 9536098). Algorithms developed to predict the effect of sequence changes on RNA splicing suggest that this variant may disrupt the consensus splice site. In summary, the available evidence is currently insufficient to determine the role of this variant in disease. Therefore, it has been classified as a Variant of Uncertain Significance.

Literature cited by the submitters: PubMed 17576681; PubMed 9536098.

NM_206933.4(USH2A):c.14343+4A>G

Gene: USH2A (usherin; minus strand). Cytogenetic location: 1q41.
Variant type: single nucleotide variant.
Coding change: c.14343+4A>G on transcript NM_206933.4 (MANE Select); 4 bases into the intron after coding-DNA position 14343, A replaced by G.
Molecular consequence: intron variant.
Genome position (GRCh38, 1-based): chr1:215,650,588, T>C on the plus strand (A>G on the coding strand, the complement: USH2A is on the minus strand). VCF-style: chr1-215650588-T-C. GRCh37 (hg19) VCF-style: chr1-215823930-T-C.
Identifiers: ClinVar variation 3726693 (VCV003726693.2).